The following is an entry in ClinVar:

NM_001458.5(FLNC):c.5332A>G (p.Met1778Val)

Genes: FLNC (filamin C; plus strand), FLNC-AS1 (FLNC antisense RNA 1; minus strand). Cytogenetic location: 7q32.1.
Variant type: single nucleotide variant.
Coding change: c.5332A>G on transcript NM_001458.5 (MANE Select); coding-DNA position 5332, A replaced by G.
Protein change: p.Met1778Val; replaces methionine 1778 with valine.
Molecular consequence: missense variant.
Genome position (GRCh38, 1-based): chr7:128,850,417, A>G. VCF-style: chr7-128850417-A-G. GRCh37 (hg19) VCF-style: chr7-128490471-A-G.
Other names: c.5233A>G, p.Met1745Val (NM_001127487.2); short protein forms M1778V, M1745V.
Identifiers: ClinVar variation 854577 (VCV000854577.11), dbSNP rs1347090077, ClinGen allele CA369205046.

ClinVar aggregate classification (germline): Uncertain significance. Review status: criteria provided, multiple submitters, no conflicts (2 of 4 stars). 2 submissions from 2 submitters: Uncertain significance (2). Last evaluated 2024-10-15.

Conditions:
Cardiovascular phenotype. Identifiers: MedGen CN230736.
Myofibrillar myopathy 5. Also called: FILAMINOPATHY, AUTOSOMAL DOMINANT; Filaminopathy (type). Identifiers: Orphanet 171445, MedGen C1836050, MONDO:0012289, OMIM 609524.
Distal myopathy with posterior leg and anterior hand involvement. Also called: WILLIAMS DISTAL MYOPATHY. Identifiers: Orphanet 63273, MedGen C3279722, MONDO:0013550, OMIM 614065.
Hypertrophic cardiomyopathy 26. Also called: Cardiomyopathy, familial hypertrophic, 26. Identifiers: Orphanet 75249, MedGen C4310749, MONDO:0014883, OMIM 617047.

Allele frequency attached by ClinVar (database versions not stated): gnomAD exomes below 0.00001; TOPMed below 0.00001; gnomAD 0.00001.

Submissions (2):

Labcorp Genetics (formerly Invitae), Labcorp
Classification: Uncertain significance for Distal myopathy with posterior leg and anterior hand involvement; Myofibrillar myopathy 5; Hypertrophic cardiomyopathy 26. Last evaluated: 2024-10-15. Review status: criteria provided, single submitter. Criteria: Invitae Variant Classification Sherloc (09022015). Collection method: clinical testing. Allele origin: germline.
Comment: This sequence change replaces methionine, which is neutral and non-polar, with valine, which is neutral and non-polar, at codon 1778 of the FLNC protein (p.Met1778Val). This variant is present in population databases (no rsID available, gnomAD 0.007%). This variant has not been reported in the literature in individuals affected with FLNC-related conditions. ClinVar contains an entry for this variant (Variation ID: 854577). Invitae Evidence Modeling of protein sequence and biophysical properties (such as structural, functional, and spatial information, amino acid conservation, physicochemical variation, residue mobility, and thermodynamic stability) has been performed for this missense variant. However, the output from this modeling did not meet the statistical confidence thresholds required to predict the impact of this variant on FLNC protein function. In summary, the available evidence is currently insufficient to determine the role of this variant in disease. Therefore, it has been classified as a Variant of Uncertain Significance.

Ambry Genetics
Classification: Uncertain significance for Cardiovascular phenotype. Last evaluated: 2019-08-14. Review status: criteria provided, single submitter. Criteria: Ambry Variant Classification Scheme 2023. Collection method: clinical testing. Allele origin: germline.
Comment: The p.M1778V variant (also known as c.5332A>G), located in coding exon 32 of the FLNC gene, results from an A to G substitution at nucleotide position 5332. The methionine at codon 1778 is replaced by valine, an amino acid with highly similar properties. This variant has been detected in a healthy control cohort (Cui H et al. Mol Genet Genomic Med, 2018 11;6:1104-1113). This amino acid position is not well conserved in available vertebrate species. In addition, this alteration is predicted to be tolerated by in silico analysis. Since supporting evidence is limited at this time, the clinical significance of this alteration remains unclear.

Literature cited by the submitters: PubMed 30411535 (cited by Ambry Genetics).